The following is an entry in ClinVar:

ClinVar aggregate classification (germline): Likely benign (1 of 4 stars; one submission).

Allele frequency attached by ClinVar (database versions not stated): 1000 Genomes Project 30x 0.00109; ExAC 0.00126.

Submission:

CeGaT Center for Human Genetics Tuebingen
Classification: Likely benign. Last evaluated: 2022-12-01. Review status: criteria provided, single submitter. Criteria: CeGaT Center For Human Genetics Tuebingen Variant Classification Criteria Version 2. Collection method: clinical testing. Allele origin: germline. Affected: yes. Observed: 1 variant allele.
Comment: GTF2I: BS2

NM_032999.4(GTF2I):c.2477-2A>G

Genes: GTF2I (general transcription factor IIi; plus strand), LOC106029312 (Williams-Beuren syndrome medial block B recombination region; plus strand). Cytogenetic location: 7q11.23.
Variant type: single nucleotide variant.
Coding change: c.2477-2A>G on transcript NM_032999.4 (MANE Select); the canonical splice acceptor site of the intron before coding-DNA position 2477, A replaced by G.
Molecular consequence: splice acceptor variant.
Genome position (GRCh38, 1-based): chr7:74,752,088, A>G. VCF-style: chr7-74752088-A-G. GRCh37 (hg19) VCF-style: chr7-74166420-A-G.
Other names: c.2414-2A>G (NM_033001.4); c.2411-2A>G (NM_001163636.3); c.2417-2A>G (NM_033000.4); c.2354-2A>G (NM_001518.5).
Identifiers: ClinVar variation 2657598 (VCV002657598.24), dbSNP rs782360843, ClinGen allele CA4297917.